The following is an entry in ClinVar:

ClinVar aggregate classification (germline): Benign (1 of 4 stars; one submission).

Allele frequency attached by ClinVar (database versions not stated): 1000 Genomes Project 0.25359; TOPMed 0.28497.
gnomAD v4.1: 213,968 of 824,554 alleles (26%); highest among the groups gnomAD compares: African/African-American, 39%; 28,503 homozygotes.

Submission:

GeneDx
Classification: Benign. Last evaluated: 2018-06-19. Review status: criteria provided, single submitter. Criteria: GeneDx Variant Classification (06012015). Collection method: clinical testing. Allele origin: germline. Affected: yes.
Comment: This variant is considered likely benign or benign based on one or more of the following criteria: it is a conservative change, it occurs at a poorly conserved position in the protein, it is predicted to be benign by multiple in silico algorithms, and/or has population frequency not consistent with disease.

NM_000426.4(LAMA2):c.284-85A>G

Gene: LAMA2 (laminin subunit alpha 2; plus strand). Cytogenetic location: 6q22.33.
Variant type: single nucleotide variant.
Coding change: c.284-85A>G on transcript NM_000426.4 (MANE Select); 85 bases into the intron before coding-DNA position 284, A replaced by G.
Molecular consequence: intron variant.
Genome position (GRCh38, 1-based): chr6:129,059,699, A>G. VCF-style: chr6-129059699-A-G. GRCh37 (hg19) VCF-style: chr6-129380844-A-G.
Other names: c.284-85A>G (NM_001079823.2).
Identifiers: ClinVar variation 682905 (VCV000682905.1), dbSNP rs74936600, ClinGen allele CA15422896.
Genomic context (GRCh38, chr6:129,059,699, plus strand): 5'-GAATTACTCTCCTTCTGTATTATTTTAATGTTTGATATTCACATGATGGTTGTTTTAACC[A>G]TTTTTTTTTACTTTAAAGAAAAAGCTATAAACTAGTTATATGATCTTTTCTTCTTCCTTT-3'